The following is an entry in ClinVar:

ClinVar aggregate classification (germline): Uncertain significance (1 of 4 stars; one submission).

Allele frequency attached by ClinVar (database versions not stated): gnomAD 0.00001; TOPMed 0.00001; gnomAD exomes 0.00002 and 0.00004; ExAC 0.00007.
gnomAD v4.1: 28 of 1,612,400 alleles (0.0017%); highest among the groups gnomAD compares: Non-Finnish European, 0.002%; no homozygotes.

Submission:

Labcorp Genetics (formerly Invitae), Labcorp
Classification: Uncertain significance. Last evaluated: 2021-08-30. Review status: criteria provided, single submitter. Criteria: Invitae Variant Classification Sherloc (09022015). Collection method: clinical testing. Allele origin: germline.
Comment: This sequence change replaces tyrosine with histidine at codon 25 of the USH1C protein (p.Tyr25His). The tyrosine residue is highly conserved and there is a moderate physicochemical difference between tyrosine and histidine. This variant is present in population databases (rs751983859, ExAC 0.01%). This variant has not been reported in the literature in individuals affected with USH1C-related conditions. Algorithms developed to predict the effect of missense changes on protein structure and function are either unavailable or do not agree on the potential impact of this missense change (SIFT: "Deleterious"; PolyPhen-2: "Possibly Damaging"; Align-GVGD: "Class C0"). In summary, the available evidence is currently insufficient to determine the role of this variant in disease. Therefore, it has been classified as a Variant of Uncertain Significance.

NM_153676.4(USH1C):c.73T>C (p.Tyr25His)

Gene: USH1C (USH1 protein network component harmonin; minus strand). Cytogenetic location: 11p15.1.
Variant type: single nucleotide variant.
Coding change: c.73T>C on transcript NM_153676.4 (MANE Select); coding-DNA position 73, T replaced by C.
Protein change: p.Tyr25His; replaces tyrosine 25 with histidine.
Molecular consequence: missense variant. On other transcripts: non-coding transcript variant (1).
Genome position (GRCh38, 1-based): chr11:17,533,286, A>G on the plus strand (T>C on the coding strand, the complement: USH1C is on the minus strand). VCF-style: chr11-17533286-A-G. GRCh37 (hg19) VCF-style: chr11-17554833-A-G.
Other names: c.73T>C, p.Tyr25His (NM_001297764.2, NM_005709.4); short protein forms Y25H.
Identifiers: ClinVar variation 1491283 (VCV001491283.5), dbSNP rs751983859, ClinGen allele CA5905190.